The following is an entry in ClinVar:

NM_004525.3(LRP2):c.13466T>C (p.Ile4489Thr)

Gene: LRP2 (LDL receptor related protein 2; minus strand). Cytogenetic location: 2q31.1.
Variant type: single nucleotide variant.
Coding change: c.13466T>C on transcript NM_004525.3 (MANE Select); coding-DNA position 13466, T replaced by C.
Protein change: p.Ile4489Thr; replaces isoleucine 4489 with threonine.
Molecular consequence: missense variant.
Genome position (GRCh38, 1-based): chr2:169,138,629, A>G on the plus strand (T>C on the coding strand, the complement: LRP2 is on the minus strand). VCF-style: chr2-169138629-A-G. GRCh37 (hg19) VCF-style: chr2-169995139-A-G.
Other names: short protein forms I4489T.
Identifiers: ClinVar variation 1522377 (VCV001522377.5), dbSNP rs2105336659, ClinGen allele CA349154924.

ClinVar aggregate classification (germline): Uncertain significance (1 of 4 stars; one submission).

Submission:

Labcorp Genetics (formerly Invitae), Labcorp
Classification: Uncertain significance. Last evaluated: 2021-09-02. Review status: criteria provided, single submitter. Criteria: Invitae Variant Classification Sherloc (09022015). Collection method: clinical testing. Allele origin: germline.
Comment: This sequence change replaces isoleucine with threonine at codon 4489 of the LRP2 protein (p.Ile4489Thr). The isoleucine residue is moderately conserved and there is a moderate physicochemical difference between isoleucine and threonine. This variant is not present in population databases (ExAC no frequency). This variant has not been reported in the literature in individuals affected with LRP2-related conditions. Advanced modeling of protein sequence and biophysical properties (such as structural, functional, and spatial information, amino acid conservation, physicochemical variation, residue mobility, and thermodynamic stability) performed at Invitae indicates that this missense variant is not expected to disrupt LRP2 protein function. In summary, the available evidence is currently insufficient to determine the role of this variant in disease. Therefore, it has been classified as a Variant of Uncertain Significance.